The following is an entry in ClinVar:

NM_031220.4(PITPNM3):c.764G>C (p.Gly255Ala)

Gene: PITPNM3 (PITPNM family member 3; minus strand). Cytogenetic location: 17p13.2.
Variant type: single nucleotide variant.
Coding change: c.764G>C on transcript NM_031220.4 (MANE Select); coding-DNA position 764, G replaced by C.
Protein change: p.Gly255Ala; replaces glycine 255 with alanine.
Molecular consequence: missense variant.
Genome position (GRCh38, 1-based): chr17:6,478,560, C>G on the plus strand (G>C on the coding strand, the complement: PITPNM3 is on the minus strand). VCF-style: chr17-6478560-C-G. GRCh37 (hg19) VCF-style: chr17-6381880-C-G.
Other names: c.656G>C, p.Gly219Ala (NM_001165966.2); short protein forms G219A, G255A.
Identifiers: ClinVar variation 1004224 (VCV001004224.9), dbSNP rs1905458372, ClinGen allele CA397408949.

ClinVar aggregate classification (germline): Uncertain significance (1 of 4 stars; one submission).

Allele frequency attached by ClinVar (database versions not stated): gnomAD 0.00001; TOPMed 0.00001.
gnomAD v4.1: 1 of 1,613,992 alleles (0.000062%); highest among the groups gnomAD compares: African/African-American, 0.0013%; no homozygotes.

Submission:

Labcorp Genetics (formerly Invitae), Labcorp
Classification: Uncertain significance. Last evaluated: 2020-01-27. Review status: criteria provided, single submitter. Criteria: Invitae Variant Classification Sherloc (09022015). Collection method: clinical testing. Allele origin: germline.
Comment: Algorithms developed to predict the effect of missense changes on protein structure and function are either unavailable or do not agree on the potential impact of this missense change (SIFT: "Deleterious"; PolyPhen-2: "Benign"; Align-GVGD: "Class C0"). This variant has not been reported in the literature in individuals with PITPNM3-related conditions. This variant is not present in population databases (ExAC no frequency). This sequence change replaces glycine with alanine at codon 255 of the PITPNM3 protein (p.Gly255Ala). The glycine residue is highly conserved and there is a small physicochemical difference between glycine and alanine. In summary, the available evidence is currently insufficient to determine the role of this variant in disease. Therefore, it has been classified as a Variant of Uncertain Significance.